The following is an entry in ClinVar:

ClinVar aggregate classification (germline): Uncertain significance (1 of 4 stars; one submission).

Submission:

Greenwood Genetic Center Diagnostic Laboratories, Greenwood Genetic Center
Classification: Uncertain significance. Last evaluated: 2025-02-03. Review status: criteria provided, single submitter. Criteria: ACMG Guidelines, 2015. Collection method: clinical testing. Allele origin: germline.
Comment: PM2, PP3

NM_001032382.2(PQBP1):c.577+10_577+11delinsTT

Gene: PQBP1 (polyglutamine binding protein 1; plus strand). Cytogenetic location: Xp11.23.
Variant type: Indel.
Coding change: c.577+10_577+11delinsTT on transcript NM_001032382.2 (MANE Select); bases 10 to 11 of the intron after coding-DNA position 577, GC replaced by TT.
Molecular consequence: intron variant.
Genome position (GRCh38, 1-based): chrX:48,902,527-48,902,528, GC replaced by TT. VCF-style: chrX-48902527-GC-TT. GRCh37 (hg19) VCF-style: chrX-48759804-GC-TT.
Other names: c.577+10_577+11delinsTT (NM_001032383.2, NM_001032381.2, NM_001167989.2 and 2 more transcripts); c.293-205_293-204delinsTT (NM_144495.3, NM_001437502.1); c.553+10_553+11delinsTT (NM_001167990.2); c.277+10_277+11delinsTT (NM_001167992.1).
Identifiers: ClinVar variation 4851651 (VCV004851651.1).
Genomic context (GRCh38, chrX:48,902,527, plus strand): 5'-GGCGCCACCATCGCCGGGAGGAGCTGGCTCCCTATCCCAAGAGCAAGAAGGGTAAGCTGG[GC>TT]AGAATGGGGCTCGGTGAGACCAACAAGGTGCAGGGTGCACTGCGTGAGGAAGCCTTCCCT-3'